The following is an entry in ClinVar:

NM_005826.5(HNRNPR):c.1600G>T (p.Ala534Ser)

Gene: HNRNPR (heterogeneous nuclear ribonucleoprotein R; minus strand). Cytogenetic location: 1p36.12.
Variant type: single nucleotide variant.
Coding change: c.1600G>T on transcript NM_005826.5 (MANE Select); coding-DNA position 1600, G replaced by T.
Protein change: p.Ala534Ser; replaces alanine 534 with serine.
Molecular consequence: missense variant.
Genome position (GRCh38, 1-based): chr1:23,310,756, C>A on the plus strand (G>T on the coding strand, the complement: HNRNPR is on the minus strand). VCF-style: chr1-23310756-C-A. GRCh37 (hg19) VCF-style: chr1-23637249-C-A.
Other names: c.1297G>T, p.Ala433Ser (NM_001102397.3); c.1609G>T, p.Ala537Ser (NM_001102398.3); c.1306G>T, p.Ala436Ser (NM_001102399.3); c.1486G>T, p.Ala496Ser (NM_001297620.2); c.1120G>T, p.Ala374Ser (NM_001297621.2); c.1183G>T, p.Ala395Ser (NM_001297622.2); short protein forms A436S, A534S, A537S, A433S, A374S, A395S, A496S.
Identifiers: ClinVar variation 2538894 (VCV002538894.2), dbSNP rs761005559, ClinGen allele CA680889.

ClinVar aggregate classification (germline): Uncertain significance (1 of 4 stars; one submission).

Conditions:
Inborn genetic diseases. Identifiers: MedGen C0950123, MeSH D030342.

Allele frequency attached by ClinVar (database versions not stated): ExAC 0.00001.

Submission:

Ambry Genetics
Classification: Uncertain significance for Inborn genetic diseases. Last evaluated: 2023-04-19. Review status: criteria provided, single submitter. Criteria: Ambry Variant Classification Scheme 2023. Collection method: clinical testing. Allele origin: germline.
Comment: The c.1609G>T (p.A537S) alteration is located in coding exon 10 of the HNRNPR gene. This alteration results from a G to T substitution at nucleotide position 1609, causing the alanine (A) at amino acid position 537 to be replaced by a serine (S). This allele was reported in one heterozygous individual in population-based cohorts in the Genome Aggregation Database (gnomAD). This amino acid position is not well conserved in available vertebrate species. This alteration is predicted to be tolerated by in silico analysis. Based on insufficient or conflicting evidence, the clinical significance of this alteration remains unclear.